The following is an entry in ClinVar:

ClinVar aggregate classification (germline): Benign/Likely benign. Review status: criteria provided, multiple submitters, no conflicts (2 of 4 stars). 5 submissions from 5 submitters: Benign (2); Likely benign (2). 1 of the submissions does not count toward it. Last evaluated 2026-02-01.

Conditions:
MAP1B-related disorder. Also called: MAP1B-related condition.

Allele frequency attached by ClinVar (database versions not stated): 1000 Genomes Project 30x 0.00016; gnomAD exomes 0.00016 and 0.00043; 1000 Genomes Project 0.00020; ExAC 0.00054; gnomAD 0.00140 and 0.00150; ESP Exome Variant Server 0.00154; TOPMed 0.00162.
gnomAD v4.1: 466 of 1,613,796 alleles (0.029%); highest among the groups gnomAD compares: African/African-American, 0.48%; 1 homozygote.

Submissions (5):

CeGaT Center for Human Genetics Tuebingen
Classification: Likely benign. Last evaluated: 2026-02-01. Review status: criteria provided, single submitter. Criteria: CeGaT Center For Human Genetics Tuebingen Variant Classification Criteria Version 2. Collection method: clinical testing. Allele origin: germline. Affected: yes. Observed: 3 variant alleles.
Comment: MAP1B: BP4, BP7, BS1

Blueprint Genetics
Classification: Likely benign. Last evaluated: 2024-07-15. Review status: criteria provided, single submitter. Criteria: ACMG Guidelines, 2015. Collection method: clinical testing. Allele origin: germline.

Labcorp Genetics (formerly Invitae), Labcorp
Classification: Benign. Last evaluated: 2019-12-31. Review status: criteria provided, single submitter. Criteria: Invitae Variant Classification Sherloc (09022015). Collection method: clinical testing. Allele origin: germline.

Breakthrough Genomics
Classification: Benign. Review status: criteria provided, single submitter. Criteria: ACMG Guidelines, 2015. Collection method: not provided. Allele origin: germline. Inheritance: Autosomal dominant inheritance. Affected: yes.

PreventionGenetics, part of Exact Sciences
Classification: Likely benign for MAP1B-related condition. Last evaluated: 2020-10-07. Review status: no assertion criteria provided. Collection method: clinical testing. Allele origin: germline. Not counted in ClinVar's aggregate classification.
Comment: This variant is classified as likely benign based on ACMG/AMP sequence variant interpretation guidelines (Richards et al. 2015 PMID: 25741868, with internal and published modifications).

NM_005909.5(MAP1B):c.3000C>T (p.Ala1000=)

Gene: MAP1B (microtubule associated protein 1B; plus strand). Cytogenetic location: 5q13.2.
Variant type: single nucleotide variant.
Coding change: c.3000C>T on transcript NM_005909.5 (MANE Select); coding-DNA position 3000, C replaced by T.
Protein change: p.Ala1000=; no amino-acid change (alanine 1000 retained).
Molecular consequence: synonymous variant.
Genome position (GRCh38, 1-based): chr5:72,196,355, C>T. VCF-style: chr5-72196355-C-T. GRCh37 (hg19) VCF-style: chr5-71492182-C-T.
Other names: c.2622C>T, p.Ala874= (NM_001324255.2).
Identifiers: ClinVar variation 780541 (VCV000780541.16), dbSNP rs148153706, ClinGen allele CA3298918.